The following is an entry in ClinVar:

ClinVar aggregate classification (germline): Uncertain significance (1 of 4 stars; one submission).

Conditions:
Larsen-like syndrome, B3GAT3 type. Also called: Multiple joint dislocations, short stature, craniofacial dysmorphism, with or without congenital heart defects; MULTIPLE JOINT DISLOCATIONS, SHORT STATURE, AND CRANIOFACIAL DYSMORPHISM WITH OR WITHOUT CONGENITAL HEART DEFECTS. Identifiers: Orphanet 284139, MedGen CN034159, MONDO:0009511, OMIM 245600.

Allele frequency attached by ClinVar (database versions not stated): gnomAD exomes below 0.00001; gnomAD 0.00001; TOPMed 0.00002.

Submission:

Labcorp Genetics (formerly Invitae), Labcorp
Classification: Uncertain significance for Larsen-like syndrome, B3GAT3 type. Last evaluated: 2024-02-17. Review status: criteria provided, single submitter. Criteria: Invitae Variant Classification Sherloc (09022015). Collection method: clinical testing. Allele origin: germline.
Comment: This sequence change replaces lysine, which is basic and polar, with arginine, which is basic and polar, at codon 6 of the B3GAT3 protein (p.Lys6Arg). This variant is present in population databases (no rsID available, gnomAD 0.01%). This variant has not been reported in the literature in individuals affected with B3GAT3-related conditions. ClinVar contains an entry for this variant (Variation ID: 1390059). An algorithm developed to predict the effect of missense changes on protein structure and function (PolyPhen-2) suggests that this variant is likely to be tolerated. In summary, the available evidence is currently insufficient to determine the role of this variant in disease. Therefore, it has been classified as a Variant of Uncertain Significance.

NM_012200.4(B3GAT3):c.17A>G (p.Lys6Arg)

Gene: B3GAT3 (beta-1,3-glucuronyltransferase 3; minus strand). Cytogenetic location: 11q12.3.
Variant type: single nucleotide variant.
Coding change: c.17A>G on transcript NM_012200.4 (MANE Select); coding-DNA position 17, A replaced by G.
Protein change: p.Lys6Arg; replaces lysine 6 with arginine.
Molecular consequence: missense variant. On other transcripts: 5 prime UTR variant (1), non-coding transcript variant (1).
Genome position (GRCh38, 1-based): chr11:62,621,931, T>C on the plus strand (A>G on the coding strand, the complement: B3GAT3 is on the minus strand). VCF-style: chr11-62621931-T-C. GRCh37 (hg19) VCF-style: chr11-62389403-T-C.
Other names: c.-244A>G (NM_001288721.2); c.17A>G, p.Lys6Arg (NM_001288722.2, NM_001288723.2); short protein forms K6R.
Identifiers: ClinVar variation 1390059 (VCV001390059.6), dbSNP rs1428973034, ClinGen allele CA380982100.